The following is an entry in ClinVar:

NC_000015.9:g.(?_89804886)_(89806896_?)del

Gene: FANCI (FA complementation group I; plus strand). Cytogenetic location: 15q26.1.
Variant type: Deletion.
Identifiers: ClinVar variation 3243710 (VCV003243710.1).

ClinVar aggregate classification (germline): Likely pathogenic (1 of 4 stars; one submission).

Conditions:
Fanconi anemia (FA). Also called: Fanconi's anemia. Identifiers: Orphanet 84, MedGen C0015625, MeSH D005199, MONDO:0019391.

Submission:

Labcorp Genetics (formerly Invitae), Labcorp
Classification: Likely pathogenic for Fanconi anemia. Last evaluated: 2023-06-27. Review status: criteria provided, single submitter. Criteria: Invitae Variant Classification Sherloc (09022015). Collection method: clinical testing. Allele origin: unknown.
Comment: In summary, the currently available evidence indicates that the variant is pathogenic, but additional data are needed to prove that conclusively. Therefore, this variant has been classified as Likely Pathogenic. This variant has not been reported in the literature in individuals affected with FANCI-related conditions. This variant results in the deletion of part of exon 5 (c.359_545+205del) and exons 6-7 of the FANCI gene. It is expected to disrupt RNA splicing. Variants that disrupt the donor or acceptor splice site typically lead to a loss of protein function (PMID: 16199547), and loss-of-function variants in FANCI are known to be pathogenic (PMID: 17452773, 17460694).

Literature cited by the submitters: PubMed 16199547; PubMed 17452773; PubMed 17460694.